The following is an entry in ClinVar:

ClinVar aggregate classification (germline): Uncertain significance (1 of 4 stars; one submission).

Allele frequency attached by ClinVar (database versions not stated): gnomAD 0.00001; TOPMed 0.00001.
gnomAD v4.1: 5 of 1,614,098 alleles (0.00031%); highest among the groups gnomAD compares: African/African-American, 0.0053%; no homozygotes.

Submission:

Labcorp Genetics (formerly Invitae), Labcorp
Classification: Uncertain significance. Last evaluated: 2022-02-03. Review status: criteria provided, single submitter. Criteria: Invitae Variant Classification Sherloc (09022015). Collection method: clinical testing. Allele origin: germline.
Comment: In summary, the available evidence is currently insufficient to determine the role of this variant in disease. Therefore, it has been classified as a Variant of Uncertain Significance. Algorithms developed to predict the effect of missense changes on protein structure and function are either unavailable or do not agree on the potential impact of this missense change (SIFT: "Not Available"; PolyPhen-2: "Probably Damaging"; Align-GVGD: "Not Available"). This variant has not been reported in the literature in individuals affected with FN1-related conditions. This variant is not present in population databases (gnomAD no frequency). This sequence change replaces histidine, which is basic and polar, with glutamine, which is neutral and polar, at codon 421 of the FN1 protein (p.His421Gln).

NM_212482.4(FN1):c.1263C>G (p.His421Gln)

Genes: FN1 (fibronectin 1; minus strand), LOC126806498 (CDK7 strongly-dependent group 2 enhancer GRCh37_chr2:216288045-216289244; plus strand). Cytogenetic location: 2q35.
Variant type: single nucleotide variant.
Coding change: c.1263C>G on transcript NM_212482.4 (MANE Select); coding-DNA position 1263, C replaced by G.
Protein change: p.His421Gln; replaces histidine 421 with glutamine.
Molecular consequence: missense variant.
Genome position (GRCh38, 1-based): chr2:215,423,480, G>C on the plus strand (C>G on the coding strand, the complement: FN1 is on the minus strand). VCF-style: chr2-215423480-G-C. GRCh37 (hg19) VCF-style: chr2-216288203-G-C.
Other names: c.1263C>G, p.His421Gln (NM_001306129.2, NM_001306130.2, NM_001306131.2 and 14 more transcripts); short protein forms H421Q.
Identifiers: ClinVar variation 1487325 (VCV001487325.8), dbSNP rs909417740, ClinGen allele CA64829795.